The following is an entry in ClinVar:

ClinVar aggregate classification (germline): Benign/Likely benign. Review status: criteria provided, multiple submitters, no conflicts (2 of 4 stars). 7 submissions from 7 submitters: Benign (1); Likely benign (4). 2 of the submissions do not count toward it. Last evaluated 2026-02-02.

Conditions:
Refsum disease, classic. Also called: HEREDOPATHIA ATACTICA POLYNEURITIFORMIS; HMSN IV; PHYTANIC ACID OXIDASE DEFICIENCY; PHYH-Related Refsum Disease. Identifiers: Orphanet 773, MedGen C5780941, MONDO:1060256, OMIM 266500. Disease mechanism: loss of function.

Allele frequency attached by ClinVar (database versions not stated): 1000 Genomes Project 0.00180; ExAC 0.00613; ESP Exome Variant Server 0.00615; gnomAD 0.00690 and 0.00717; 1000 Genomes Project 30x 0.00187; TOPMed 0.00510.
gnomAD v4.1: 10,935 of 1,612,226 alleles (0.68%); highest among the groups gnomAD compares: Non-Finnish European, 0.76%; 58 homozygotes.

Submissions (19):

Labcorp Genetics (formerly Invitae), Labcorp
Classification: Benign. Last evaluated: 2026-02-02. Review status: criteria provided, single submitter. Criteria: Invitae Variant Classification Sherloc (09022015). Collection method: clinical testing. Allele origin: germline.

GeneDx
Classification: Likely benign. Last evaluated: 2021-05-24. Review status: criteria provided, single submitter. Criteria: GeneDx Variant Classification Process June 2021. Collection method: clinical testing. Allele origin: germline. Affected: yes.

Illumina Laboratory Services, Illumina
Classification: Likely benign for Refsum disease, classic. Last evaluated: 2018-01-13. Review status: criteria provided, single submitter. Criteria: ICSL Variant Classification Criteria 13 December 2019. Collection method: clinical testing. Allele origin: germline.
Comment: This variant was observed in the ICSL laboratory as part of a predisposition screen in an ostensibly healthy population. It had not been previously curated by ICSL or reported in the Human Gene Mutation Database (HGMD: prior to June 1st, 2018), and was therefore a candidate for classification through an automated scoring system. Utilizing variant allele frequency, disease prevalence and penetrance estimates, and inheritance mode, an automated score was calculated to assess if this variant is too frequent to cause the disease. Based on the score and internal cut-off values, a variant classified as likely benign is not then subjected to further curation. The score for this variant resulted in a classification of likely benign for this disease.

Genome Diagnostics Laboratory, University Medical Center Utrecht
Classification: Likely benign for Refsum disease, classic. Last evaluated: 2014-10-09. Review status: criteria provided, single submitter. Criteria: ACGS Guidelines, 2013. Collection method: clinical testing. Allele origin: germline. Affected: yes. Study: VKGL Data-share Consensus.

Breakthrough Genomics
Classification: Likely benign. Review status: criteria provided, single submitter. Criteria: ACMG Guidelines, 2015. Collection method: not provided. Allele origin: germline. Inheritance: Autosomal recessive inheritance. Affected: yes.

Clinical Genetics, Academic Medical Center
Classification: Benign. Review status: no assertion criteria provided. Collection method: clinical testing. Allele origin: germline. Affected: yes. Study: VKGL Data-share Consensus. Not counted in ClinVar's aggregate classification.

Dr. Peter K. Rogan Lab, Western University
No classification provided (evidence only). Condition: Lung cancer. Review status: no classification provided. Collection method: in vitro. Allele origin: not applicable. Functional consequence: skipped exon. Not counted in ClinVar's aggregate classification.

Dr. Peter K. Rogan Lab, Western University
No classification provided (evidence only). Condition: Familial cancer of breast. Review status: no classification provided. Collection method: in vitro. Allele origin: not applicable. Functional consequence: skipped exon. Not counted in ClinVar's aggregate classification.

Dr. Peter K. Rogan Lab, Western University
No classification provided (evidence only). Condition: Familial cancer of breast. Review status: no classification provided. Collection method: in vitro. Allele origin: not applicable. Functional consequence: retained intron. Not counted in ClinVar's aggregate classification.

Dr. Peter K. Rogan Lab, Western University
No classification provided (evidence only). Condition: Uterine corpus endometrial carcinoma. Review status: no classification provided. Collection method: in vitro. Allele origin: not applicable. Functional consequence: retained intron. Not counted in ClinVar's aggregate classification.

Dr. Peter K. Rogan Lab, Western University
No classification provided (evidence only). Condition: Uterine corpus endometrial carcinoma. Review status: no classification provided. Collection method: in vitro. Allele origin: not applicable. Functional consequence: skipped exon, retained intron. Not counted in ClinVar's aggregate classification.

Dr. Peter K. Rogan Lab, Western University
No classification provided (evidence only). Condition: Cervical cancer. Review status: no classification provided. Collection method: in vitro. Allele origin: not applicable. Functional consequence: retained intron. Not counted in ClinVar's aggregate classification.

Dr. Peter K. Rogan Lab, Western University
No classification provided (evidence only). Condition: Sarcoma. Review status: no classification provided. Collection method: in vitro. Allele origin: not applicable. Functional consequence: skipped exon. Not counted in ClinVar's aggregate classification.

Dr. Peter K. Rogan Lab, Western University
No classification provided (evidence only). Condition: Cholangiocarcinoma. Review status: no classification provided. Collection method: in vitro. Allele origin: not applicable. Functional consequence: retained intron. Not counted in ClinVar's aggregate classification.

Dr. Peter K. Rogan Lab, Western University
No classification provided (evidence only). Condition: Ovarian serous cystadenocarcinoma. Review status: no classification provided. Collection method: in vitro. Allele origin: not applicable. Functional consequence: retained intron. Not counted in ClinVar's aggregate classification.

Dr. Peter K. Rogan Lab, Western University
No classification provided (evidence only). Condition: Gastric cancer. Review status: no classification provided. Collection method: in vitro. Allele origin: not applicable. Functional consequence: retained intron. Not counted in ClinVar's aggregate classification.

Dr. Peter K. Rogan Lab, Western University
No classification provided (evidence only). Condition: Gastric cancer. Review status: no classification provided. Collection method: in vitro. Allele origin: not applicable. Functional consequence: retained intron. Not counted in ClinVar's aggregate classification.

Dr. Peter K. Rogan Lab, Western University
No classification provided (evidence only). Condition: Uterine carcinosarcoma. Review status: no classification provided. Collection method: in vitro. Allele origin: not applicable. Functional consequence: skipped exon, retained intron. Not counted in ClinVar's aggregate classification.

Joint Genome Diagnostic Labs from Nijmegen and Maastricht, Radboudumc and MUMC+
Classification: Likely benign. Review status: no assertion criteria provided. Collection method: clinical testing. Allele origin: germline. Affected: yes. Study: VKGL Data-share Consensus. Not counted in ClinVar's aggregate classification.

NM_006214.4(PHYH):c.678+15C>T

Gene: PHYH (phytanoyl-CoA 2-hydroxylase; minus strand). Cytogenetic location: 10p13.
Variant type: single nucleotide variant.
Coding change: c.678+15C>T on transcript NM_006214.4 (MANE Select); 15 bases into the intron after coding-DNA position 678, C replaced by T.
Molecular consequence: intron variant.
Genome position (GRCh38, 1-based): chr10:13,288,345, G>A on the plus strand (C>T on the coding strand, the complement: PHYH is on the minus strand). VCF-style: chr10-13288345-G-A. GRCh37 (hg19) VCF-style: chr10-13330345-G-A.
Other names: c.415-4506C>T (NM_001323083.2); c.684+15C>T (NM_001323082.2); c.378+15C>T (NM_001037537.2, NM_001323080.2); c.384+15C>T (NM_001323084.2).
Identifiers: ClinVar variation 299248 (VCV000299248.22), dbSNP rs140995522, ClinGen allele CA5412281.
Genomic context (GRCh38, chr10:13,288,345, plus strand): 5'-TCTTTAGAGGTACTGATGTGAAACAGAAACTGCGAAGGAGATTCGGATCAAGACTCAGCC[G>A]CCGGGCAGACCTACCTCCCACTTGGGGTAATCGTGGGGCTTCAGGGAGCCCTTGTGTGTG-3'